The following is an entry in ClinVar:

NM_001079872.2(CUL4B):c.111G>C (p.Lys37Asn)

Genes: CUL4B (cullin 4B; minus strand), LOC113845788 (Sharpr-MPRA regulatory region 11856; plus strand). Cytogenetic location: Xq24.
Variant type: single nucleotide variant.
Coding change: c.111G>C on transcript NM_001079872.2 (MANE Select); coding-DNA position 111, G replaced by C.
Protein change: p.Lys37Asn; replaces lysine 37 with asparagine.
Molecular consequence: missense variant.
Genome position (GRCh38, 1-based): chrX:120,560,528, C>G on the plus strand (G>C on the coding strand, the complement: CUL4B is on the minus strand). VCF-style: chrX-120560528-C-G. GRCh37 (hg19) VCF-style: chrX-119694383-C-G.
Other names: c.126G>C, p.Lys42Asn (NM_001330624.2); c.165G>C, p.Lys55Asn (NM_003588.4); short protein forms K37N, K42N, K55N.
Identifiers: ClinVar variation 2574888 (VCV002574888.1), dbSNP rs1925225348, ClinGen allele CA414206142.

ClinVar aggregate classification (germline): Uncertain significance (1 of 4 stars; one submission).

Submission:

GeneDx
Classification: Uncertain significance. Last evaluated: 2023-02-03. Review status: criteria provided, single submitter. Criteria: GeneDx Variant Classification Process June 2021. Collection method: clinical testing. Allele origin: germline. Affected: yes.
Comment: Not observed at significant frequency in large population cohorts (gnomAD); In silico analysis supports that this missense variant does not alter protein structure/function; Has not been previously published as pathogenic or benign to our knowledge